The following is an entry in ClinVar:

NM_020921.4(NIN):c.1241G>A (p.Arg414Gln)

Gene: NIN (ninein; minus strand). Cytogenetic location: 14q22.1.
Variant type: single nucleotide variant.
Coding change: c.1241G>A on transcript NM_020921.4 (MANE Select); coding-DNA position 1241, G replaced by A.
Protein change: p.Arg414Gln; replaces arginine 414 with glutamine.
Molecular consequence: missense variant.
Genome position (GRCh38, 1-based): chr14:50,770,870, C>T on the plus strand (G>A on the coding strand, the complement: NIN is on the minus strand). VCF-style: chr14-50770870-C-T. GRCh37 (hg19) VCF-style: chr14-51237588-C-T.
Other names: c.1241G>A (NM_020921.3); c.1241G>A, p.Arg414Gln (NM_016350.5, NM_182944.3, NM_182946.2); short protein forms R414Q.
Identifiers: ClinVar variation 3717008 (VCV003717008.3).
Genomic context (GRCh38, chr14:50,770,870, plus strand): 5'-CAGGGTGGTGGGTGAGGAGGAGCCTCACTCTGCTGGCCTCACCTGAGGTTGTACTCATTC[C>T]GCCGCTCTATGGCCGCATGGTGATCATCCACCTCCGAGGCCATTAAAGACTTGAGCTTCT-3'
Protein context (NP_065972.4, residues 404-424): VDDHHAAIER[Arg414Gln]NEYNLRKLDE

ClinVar aggregate classification (germline): Uncertain significance. Review status: criteria provided, multiple submitters, no conflicts (2 of 4 stars). 2 submissions from 2 submitters: Uncertain significance (2). Last evaluated 2025-05-21.

gnomAD v4.1: 10 of 1,613,702 alleles (0.00062%); highest among the groups gnomAD compares: Admixed American, 0.0033%; no homozygotes.

Submissions (2):

Ambry Genetics
Classification: Uncertain significance. Last evaluated: 2025-05-21. Review status: criteria provided, single submitter. Criteria: Ambry Variant Classification Scheme 2023. Collection method: clinical testing. Allele origin: germline.

Labcorp Genetics (formerly Invitae), Labcorp
Classification: Uncertain significance. Last evaluated: 2024-06-21. Review status: criteria provided, single submitter. Criteria: Invitae Variant Classification Sherloc (09022015). Collection method: clinical testing. Allele origin: germline.
Comment: This sequence change replaces arginine, which is basic and polar, with glutamine, which is neutral and polar, at codon 414 of the NIN protein (p.Arg414Gln). This variant is present in population databases (rs201493573, gnomAD 0.007%). This variant has not been reported in the literature in individuals affected with NIN-related conditions. Algorithms developed to predict the effect of missense changes on protein structure and function output the following: SIFT: "Not Available"; PolyPhen-2: "Benign"; Align-GVGD: "Not Available". The glutamine amino acid residue is found in multiple mammalian species, which suggests that this missense change does not adversely affect protein function. In summary, the available evidence is currently insufficient to determine the role of this variant in disease. Therefore, it has been classified as a Variant of Uncertain Significance.